The following is an entry in ClinVar:

ClinVar aggregate classification (germline): Uncertain significance (1 of 4 stars; one submission).

Submission:

Labcorp Genetics (formerly Invitae), Labcorp
Classification: Uncertain significance. Last evaluated: 2022-09-15. Review status: criteria provided, single submitter. Criteria: Invitae Variant Classification Sherloc (09022015). Collection method: clinical testing. Allele origin: germline.
Comment: This sequence change replaces serine, which is neutral and polar, with proline, which is neutral and non-polar, at codon 221 of the DMXL2 protein (p.Ser221Pro). This variant is not present in population databases (gnomAD no frequency). This variant has not been reported in the literature in individuals affected with DMXL2-related conditions. Algorithms developed to predict the effect of missense changes on protein structure and function output the following: SIFT: "Tolerated"; PolyPhen-2: "Benign"; Align-GVGD: "Class C0". The proline amino acid residue is found in multiple mammalian species, which suggests that this missense change does not adversely affect protein function. In summary, the available evidence is currently insufficient to determine the role of this variant in disease. Therefore, it has been classified as a Variant of Uncertain Significance.

NM_001378457.1(DMXL2):c.661T>C (p.Ser221Pro)

Gene: DMXL2 (Dmx like 2; minus strand). Cytogenetic location: 15q21.2.
Variant type: single nucleotide variant.
Coding change: c.661T>C on transcript NM_001378457.1 (MANE Select); coding-DNA position 661, T replaced by C.
Protein change: p.Ser221Pro; replaces serine 221 with proline.
Molecular consequence: missense variant. On other transcripts: non-coding transcript variant (2).
Genome position (GRCh38, 1-based): chr15:51,547,315, A>G on the plus strand (T>C on the coding strand, the complement: DMXL2 is on the minus strand). VCF-style: chr15-51547315-A-G. GRCh37 (hg19) VCF-style: chr15-51839512-A-G.
Other names: c.661T>C, p.Ser221Pro (NM_001174116.3, NM_001174117.3, NM_001378458.1 and 7 more transcripts); short protein forms S221P.
Identifiers: ClinVar variation 1719519 (VCV001719519.5), dbSNP rs2548642871, ClinGen allele CA392469410.
Genomic context (GRCh38, chr15:51,547,315, plus strand): 5'-GCCACGAAAAACCTGTCACAGCTCGGGGATGTGCCAAGTAAACAAAAGAAAATTGAGTAG[A>G]GGACTGTCTCCTTTTTACTTCATGATGATCCTGAGGTATAATTGAAGACTTCCAACCAGT-3'
Protein context (NP_001365386.1, residues 211-231): DHHEVKRRQS[Ser221Pro]TQFSFVYLAH